The following is an entry in ClinVar:

ClinVar aggregate classification (germline): Likely benign (1 of 4 stars; one submission).

gnomAD v4.1: 923 of 1,601,398 alleles (0.058%); highest among the groups gnomAD compares: South Asian, 0.97%; 18 homozygotes.

Submission:

Mayo Clinic Laboratories, Mayo Clinic
Classification: Likely benign. Last evaluated: 2025-09-08. Review status: criteria provided, single submitter. Criteria: ACMG Guidelines, 2015. Collection method: clinical testing. Allele origin: germline. Observed: 2 variant alleles.
Comment: BS1, BS2, BP1

NM_001201550.3(CFHR4):c.1334G>A (p.Trp445Ter)

Gene: CFHR4 (complement factor H related 4; plus strand). Cytogenetic location: 1q31.3.
Variant type: single nucleotide variant.
Coding change: c.1334G>A on transcript NM_001201550.3 (MANE Select); coding-DNA position 1334, G replaced by A.
Protein change: p.Trp445Ter; replaces tryptophan 445 with a stop codon.
Molecular consequence: nonsense.
Genome position (GRCh38, 1-based): chr1:196,914,648, G>A. VCF-style: chr1-196914648-G-A. GRCh37 (hg19) VCF-style: chr1-196883778-G-A.
Other names: p.Trp444*; c.593G>A, p.Trp198Ter (NM_006684.5); c.1331G>A, p.Trp444Ter (NM_001201551.2); short protein forms W198*, W444*, W445*.
Identifiers: ClinVar variation 3380400 (VCV003380400.2).
Genomic context (GRCh38, chr1:196,914,648, plus strand): 5'-ATGGATATGAAATCAGTTATGGAAACACCACAGGTTCCATAGTGTGTGGTGAAGATGGGT[G>A]GTCCCATTTCCCAACATGTTATAGTAAGTATTTTATTCAAGTATTTTTTATTAGAATTAA-3'